The following is an entry in ClinVar:

ClinVar aggregate classification (germline): Uncertain significance (1 of 4 stars; one submission).

gnomAD v4.1: 8 of 1,604,788 alleles (0.0005%); highest among the groups gnomAD compares: Non-Finnish European, 0.0006%; no homozygotes.

Submission:

Labcorp Genetics (formerly Invitae), Labcorp
Classification: Uncertain significance. Last evaluated: 2025-05-07. Review status: criteria provided, single submitter. Criteria: Invitae Variant Classification Sherloc (09022015). Collection method: clinical testing. Allele origin: germline.
Comment: This sequence change replaces lysine, which is basic and polar, with asparagine, which is neutral and polar, at codon 1068 of the DSCAML1 protein (p.Lys1068Asn). This variant also falls at the last nucleotide of exon 16, which is part of the consensus splice site for this exon. This variant is present in population databases (no rsID available, gnomAD 0.007%). This variant has not been reported in the literature in individuals affected with DSCAML1-related conditions. An algorithm developed to predict the effect of missense changes on protein structure and function (PolyPhen-2) suggests that this variant is likely to be disruptive. Variants that disrupt the consensus splice site are a relatively common cause of aberrant splicing (PMID: 17576681, 9536098). In summary, the available evidence is currently insufficient to determine the role of this variant in disease. Therefore, it has been classified as a Variant of Uncertain Significance.

Literature cited by the submitters: PubMed 17576681; PubMed 9536098.

NM_020693.4(DSCAML1):c.3024G>C (p.Lys1008Asn)

Gene: DSCAML1 (DS cell adhesion molecule like 1; minus strand). Cytogenetic location: 11q23.3.
Variant type: single nucleotide variant.
Coding change: c.3024G>C on transcript NM_020693.4 (MANE Select); coding-DNA position 3024, G replaced by C.
Protein change: p.Lys1008Asn; replaces lysine 1008 with asparagine.
Molecular consequence: missense variant.
Genome position (GRCh38, 1-based): chr11:117,469,910, C>G on the plus strand (G>C on the coding strand, the complement: DSCAML1 is on the minus strand). VCF-style: chr11-117469910-C-G. GRCh37 (hg19) VCF-style: chr11-117340626-C-G.
Other names: short protein forms K1008N.
Identifiers: ClinVar variation 4762101 (VCV004762101.1).